The following is an entry in ClinVar:

ClinVar aggregate classification (germline): Likely benign. Review status: criteria provided, single submitter (1 of 4 stars). 2 submissions from 2 submitters: Likely benign (1). 1 of the submissions does not count toward it. Last evaluated 2026-09-01.

Conditions:
NCAPG2-related disorder. Also called: NCAPG2-related condition.

Allele frequency attached by ClinVar (database versions not stated): 1000 Genomes Project 0.00040; 1000 Genomes Project 30x 0.00047; TOPMed 0.00303; gnomAD 0.00366; ESP Exome Variant Server 0.00410.
gnomAD v4.1: 7,157 of 1,614,010 alleles (0.44%); highest among the groups gnomAD compares: Non-Finnish European, 0.51%; 25 homozygotes.

Submissions (2):

CeGaT Center for Human Genetics Tuebingen
Classification: Likely benign. Last evaluated: 2026-09-01. Review status: criteria provided, single submitter. Criteria: CeGaT Center For Human Genetics Tuebingen Variant Classification Criteria Version 2. Collection method: clinical testing. Allele origin: germline. Affected: yes. Observed: 14 variant alleles.
Comment: NCAPG2: PP2, BP4, BS2

PreventionGenetics, part of Exact Sciences
Classification: Benign for NCAPG2-related condition. Last evaluated: 2019-08-06. Review status: no assertion criteria provided. Collection method: clinical testing. Allele origin: germline. Not counted in ClinVar's aggregate classification.
Comment: This variant is classified as benign based on ACMG/AMP sequence variant interpretation guidelines (Richards et al. 2015 PMID: 25741868, with internal and published modifications).

NM_017760.7(NCAPG2):c.2089C>T (p.Arg697Trp)

Gene: NCAPG2 (non-SMC condensin II complex subunit G2; minus strand). Cytogenetic location: 7q36.3.
Variant type: single nucleotide variant.
Coding change: c.2089C>T on transcript NM_017760.7 (MANE Select); coding-DNA position 2089, C replaced by T.
Protein change: p.Arg697Trp; replaces arginine 697 with tryptophan.
Molecular consequence: missense variant. On other transcripts: non-coding transcript variant (1).
Genome position (GRCh38, 1-based): chr7:158,656,677, G>A on the plus strand (C>T on the coding strand, the complement: NCAPG2 is on the minus strand). VCF-style: chr7-158656677-G-A. GRCh37 (hg19) VCF-style: chr7-158449369-G-A.
Other names: c.2089C>T, p.Arg697Trp (NM_001281932.2, NM_001281933.2); c.2089C>T (NM_001281933.1); short protein forms R697W.
Identifiers: ClinVar variation 2499065 (VCV002499065.29), dbSNP rs61752310, ClinGen allele CA4592640.
Genomic context (GRCh38, chr7:158,656,677, plus strand): 5'-CCCAGGAGCAGAGGCAATCCAACAAAGTGCAGTAGCTCTTGTCCACAGCGCCCTCCTCCC[G>A]GCTTCTCAGCGTGGAAATCACACCACAGCTGAAAATGTCAGACGGAAAATCGGACTGAGT-3'
Protein context (NP_060230.5, residues 687-707): SCGVISTLRS[Arg697Trp]EEGAVDKSYC